The following is an entry in ClinVar:

NM_025099.6(CTC1):c.799G>A (p.Ala267Thr)

Gene: CTC1 (CST telomere replication complex component 1; minus strand). Cytogenetic location: 17p13.1.
Variant type: single nucleotide variant.
Coding change: c.799G>A on transcript NM_025099.6 (MANE Select); coding-DNA position 799, G replaced by A.
Protein change: p.Ala267Thr; replaces alanine 267 with threonine.
Molecular consequence: missense variant. On other transcripts: non-coding transcript variant (1).
Genome position (GRCh38, 1-based): chr17:8,236,336, C>T on the plus strand (G>A on the coding strand, the complement: CTC1 is on the minus strand). VCF-style: chr17-8236336-C-T. GRCh37 (hg19) VCF-style: chr17-8139654-C-T.
Other names: short protein forms A267T.
Identifiers: ClinVar variation 856083 (VCV000856083.9), dbSNP rs1315598261, ClinGen allele CA397989215.

ClinVar aggregate classification (germline): Uncertain significance (1 of 4 stars; one submission).

Conditions:
Dyskeratosis congenita. Identifiers: Orphanet 1775, MedGen C0265965, MONDO:0015780.

Submission:

Labcorp Genetics (formerly Invitae), Labcorp
Classification: Uncertain significance for Dyskeratosis congenita. Last evaluated: 2019-05-15. Review status: criteria provided, single submitter. Criteria: Invitae Variant Classification Sherloc (09022015). Collection method: clinical testing. Allele origin: germline.
Comment: In summary, the available evidence is currently insufficient to determine the role of this variant in disease. Therefore, it has been classified as a Variant of Uncertain Significance. Algorithms developed to predict the effect of missense changes on protein structure and function are either unavailable or do not agree on the potential impact of this missense change (SIFT: "Deleterious"; PolyPhen-2: "Benign"; Align-GVGD: "Class C0"). This variant has not been reported in the literature in individuals with CTC1-related conditions. This variant is not present in population databases (ExAC no frequency). This sequence change replaces alanine with threonine at codon 267 of the CTC1 protein (p.Ala267Thr). The alanine residue is moderately conserved and there is a small physicochemical difference between alanine and threonine.